The following is an entry in ClinVar:

ClinVar aggregate classification (germline): Uncertain significance (1 of 4 stars; one submission).

gnomAD v4.1: 4 of 1,613,722 alleles (0.00025%); highest among the groups gnomAD compares: South Asian, 0.0011%; no homozygotes.

Submission:

GeneDx
Classification: Uncertain significance. Last evaluated: 2023-11-28. Review status: criteria provided, single submitter. Criteria: GeneDx Variant Classification Process June 2021. Collection method: clinical testing. Allele origin: germline. Affected: yes.
Comment: In silico analysis supports that this missense variant has a deleterious effect on protein structure/function; Has not been previously published as pathogenic or benign to our knowledge

NM_007327.4(GRIN1):c.209A>G (p.Asn70Ser)

Gene: GRIN1 (glutamate ionotropic receptor NMDA type subunit 1; plus strand). Cytogenetic location: 9q34.3.
Variant type: single nucleotide variant.
Coding change: c.209A>G on transcript NM_007327.4 (MANE Select); coding-DNA position 209, A replaced by G.
Protein change: p.Asn70Ser; replaces asparagine 70 with serine.
Molecular consequence: missense variant.
Genome position (GRCh38, 1-based): chr9:137,139,695, A>G. VCF-style: chr9-137139695-A-G. GRCh37 (hg19) VCF-style: chr9-140034147-A-G.
Other names: c.209A>G, p.Asn70Ser (NM_000832.7, NM_001185090.2, NM_001185091.2 and 1 more transcripts); short protein forms N70S.
Identifiers: ClinVar variation 3365014 (VCV003365014.1).
Genomic context (GRCh38, chr9:137,139,695, plus strand): 5'-ACAAGCGGCACGGCTCCTGGAAGATTCAGCTCAATGCCACCTCCGTCACGCACAAGCCCA[A>G]CGCCATCCAGATGGCTCTGTCGGTGTGCGAGGACCTCATCTCCAGCCAGGTGCCCTCCCC-3'
Protein context (NP_015566.1, residues 60-80): LNATSVTHKP[Asn70Ser]AIQMALSVCE